The following is an entry in ClinVar:

ClinVar aggregate classification (germline): Pathogenic (1 of 4 stars; one submission).

Conditions:
Bardet-Biedl syndrome 6 (BBS6). Identifiers: Orphanet 110, MedGen C1858054, MONDO:0011523, OMIM 605231.

Submission:

Gansu Provincial Maternity and Child Care Hospital
Classification: Pathogenic for Bardet-Biedl syndrome 6. Last evaluated: 2026-06-02. Review status: criteria provided, single submitter. Criteria: ACMG Guidelines, 2015. Collection method: clinical testing. Allele origin: paternal. Inheritance: Autosomal recessive inheritance. Affected: yes.
Comment: The c.378_379delTT variant is a frameshift variant that leads to premature termination of translation (PVS1). This site is not recorded in the gnomAD database (PM2_supporting).For recessive disorders, detected in trans with a pathogenic variant(PM3_Surporting).This variant is classified as pathogenic.

NM_170784.3(MKKS):c.378_379del (p.Cys127fs)

Gene: MKKS (MKKS centrosomal shuttling protein; minus strand). Cytogenetic location: 20p12.2.
Variant type: Deletion.
Coding change: c.378_379del on transcript NM_170784.3 (MANE Select); coding-DNA positions 378 to 379, 2 bases deleted (TT; older notation c.378_379delTT).
Protein change: p.Cys127fs; shifts the reading frame from cysteine 127.
Molecular consequence: frameshift variant.
Genome position (GRCh38, 1-based): chr20:10,413,136-10,413,137, AA deleted on the plus strand (TT on the coding strand, the reverse complement: MKKS is on the minus strand); deleting any 2 consecutive bases within chr20:10,413,136-10,413,138 gives the same sequence; the c. name uses the placement nearest the transcript's 3' end. VCF-style (leftmost placement, unchanged base first): chr20-10413135-CAA-C. GRCh37 (hg19) VCF-style: chr20-10393783-CAA-C.
Other names: c.378_379delTT (NM_018848.3); c.378_379del, p.Cys127fs (NM_018848.3); short protein forms C127fs.
Identifiers: ClinVar variation 4856401 (VCV004856401.1).